The following is an entry in ClinVar:

ClinVar aggregate classification (germline): Conflicting classifications of pathogenicity. Review status: criteria provided, conflicting classifications (1 of 4 stars). 9 submissions from 8 submitters: Uncertain significance (1); Benign (1); Likely benign (7). Last evaluated 2026-05-20.

Conditions:
FLCN-related disorder. Also called: FLCN-related condition.
Birt-Hogg-Dube syndrome 1 (BHD1). Also called: FIBROFOLLICULOMAS WITH TRICHODISCOMAS AND ACROCHORDONS. Identifiers: Orphanet 122, MedGen CN375946, MONDO:0800445, OMIM 135150.
Hereditary cancer-predisposing syndrome. Also called: Neoplastic Syndromes, Hereditary; Tumor predisposition; Hereditary neoplastic syndrome; Hereditary Cancer Syndrome. Identifiers: Orphanet 140162, MedGen C0027672, MeSH D009386, MONDO:0015356.
Birt-Hogg-Dube syndrome. Also called: Birt Hogg Dubé syndrome. Identifiers: Orphanet 122, MedGen C0346010, MONDO:0800444.
Familial spontaneous pneumothorax (PSP). Identifiers: Orphanet 2903, MedGen C1868193, MONDO:0008259, OMIM 173600.

Allele frequency attached by ClinVar (database versions not stated): gnomAD 0.00001; gnomAD exomes 0.00002 and 0.00003; TOPMed 0.00003; ExAC 0.00004.
gnomAD v4.1: 35 of 1,614,058 alleles (0.0022%); highest among the groups gnomAD compares: Middle Eastern, 0.016%; no homozygotes.

Submissions (9):

PreventionGenetics, part of Exact Sciences
Classification: Likely benign for FLCN-related condition. Last evaluated: 2026-05-20. Review status: criteria provided, single submitter. Criteria: ACMG Guidelines, 2015. Collection method: clinical testing. Allele origin: germline.
Comment: This variant is classified as likely benign based on ACMG/AMP sequence variant interpretation guidelines (Richards et al. 2015 PMID: 25741868, with internal and published modifications).

Labcorp Genetics (formerly Invitae), Labcorp
Classification: Likely benign for Birt-Hogg-Dube syndrome. Last evaluated: 2025-12-09. Review status: criteria provided, single submitter. Criteria: Invitae Variant Classification Sherloc (09022015). Collection method: clinical testing. Allele origin: germline.

ARUP Laboratories, Molecular Genetics and Genomics, ARUP Laboratories
Classification: Likely benign. Last evaluated: 2025-02-26. Review status: criteria provided, single submitter. Criteria: ARUP Molecular Germline Variant Investigation Process 2024. Collection method: clinical testing. Allele origin: germline.

Myriad Genetics, Inc.
Classification: Benign for Birt-Hogg-Dube syndrome 1. Last evaluated: 2024-10-22. Review status: criteria provided, single submitter. Criteria: Myriad Autosomal Dominant, Autosomal Recessive and X-Linked Classification Criteria (2023). Collection method: clinical testing. Allele origin: unknown.
Comment: This variant is considered benign. This variant is a silent/synonymous amino acid change and it is not expected to impact splicing.

KCCC/NGS Laboratory, Kuwait Cancer Control Center
Classification: Likely benign for Birt-Hogg-Dube syndrome 1. Last evaluated: 2023-07-07. Review status: criteria provided, single submitter. Criteria: ACMG Guidelines, 2015. Collection method: clinical testing. Allele origin: germline. Affected: yes.

GeneDx
Classification: Likely benign. Last evaluated: 2020-10-15. Review status: criteria provided, single submitter. Criteria: GeneDx Variant Classification Process June 2021. Collection method: clinical testing. Allele origin: germline. Affected: yes.

Illumina Laboratory Services, Illumina
Classification: Likely benign for Birt-Hogg-Dube syndrome 1. Last evaluated: 2018-01-13. Review status: criteria provided, single submitter. Criteria: ICSL Variant Classification Criteria 13 December 2019. Collection method: clinical testing. Allele origin: germline.
Comment: This variant was observed in the ICSL laboratory as part of a predisposition screen in an ostensibly healthy population. It had not been previously curated by ICSL or reported in the Human Gene Mutation Database (HGMD: prior to June 1st, 2018), and was therefore a candidate for classification through an automated scoring system. Utilizing variant allele frequency, disease prevalence and penetrance estimates, and inheritance mode, an automated score was calculated to assess if this variant is too frequent to cause the disease. Based on the score and internal cut-off values, a variant classified as likely benign is not then subjected to further curation. The score for this variant resulted in a classification of likely benign for this disease.

Illumina Laboratory Services, Illumina
Classification: Uncertain significance for Familial spontaneous pneumothorax. Last evaluated: 2018-01-13. Review status: criteria provided, single submitter. Criteria: ICSL Variant Classification Criteria 13 December 2019. Collection method: clinical testing. Allele origin: germline.

Ambry Genetics
Classification: Likely benign for Hereditary cancer-predisposing syndrome. Last evaluated: 2014-12-10. Review status: criteria provided, single submitter. Criteria: Ambry Variant Classification Scheme 2023. Collection method: clinical testing. Allele origin: germline.

NM_144997.7(FLCN):c.135G>A (p.Ala45=)

Gene: FLCN (folliculin; minus strand). Cytogenetic location: 17p11.2.
Variant type: single nucleotide variant.
Coding change: c.135G>A on transcript NM_144997.7 (MANE Select); coding-DNA position 135, G replaced by A.
Protein change: p.Ala45=; no amino-acid change (alanine 45 retained).
Molecular consequence: synonymous variant.
Genome position (GRCh38, 1-based): chr17:17,228,003, C>T on the plus strand (G>A on the coding strand, the complement: FLCN is on the minus strand). VCF-style: chr17-17228003-C-T. GRCh37 (hg19) VCF-style: chr17-17131317-C-T.
Other names: c.135G>A (LRG_325t1, NM_144997.6); c.135G>A, p.Ala45= (NM_001353229.2, NM_001353230.2, NM_001353231.2 and 1 more transcripts).
Identifiers: ClinVar variation 184633 (VCV000184633.25), dbSNP rs759930161, ClinGen allele CA189519.
Genomic context (GRCh38, chr17:17,228,003, plus strand): 5'-CTCTGCGGGGCTGTGCGCACGCATCCGACTGTTCATCTGAATGCCACCTTCCTCTTCTTC[C>T]GCCTGCTCACCCTGGCCAGGACTGTCCTCATTCCCATCCCCTTGAGGAAGTGGGGCGTGC-3'
Protein context (NP_659434.2, residues 35-55): NEDSPGQGEQ[Ala45=]EEEEGGIQMN